The following is an entry in ClinVar:

NM_002519.3(NPAT):c.2614G>A (p.Val872Met)

Gene: NPAT (nuclear protein, coactivator of histone transcription; minus strand). Cytogenetic location: 11q22.3.
Variant type: single nucleotide variant.
Coding change: c.2614G>A on transcript NM_002519.3 (MANE Select); coding-DNA position 2614, G replaced by A.
Protein change: p.Val872Met; replaces valine 872 with methionine.
Molecular consequence: missense variant.
Genome position (GRCh38, 1-based): chr11:108,172,370, C>T on the plus strand (G>A on the coding strand, the complement: NPAT is on the minus strand). VCF-style: chr11-108172370-C-T. GRCh37 (hg19) VCF-style: chr11-108043097-C-T.
Other names: c.2614G>A, p.Val872Met (NM_001321307.1); short protein forms V872M.
Identifiers: ClinVar variation 3222545 (VCV003222545.1), dbSNP rs2496716588, ClinGen allele CA382512598.

ClinVar aggregate classification (germline): Uncertain significance (1 of 4 stars; one submission).

Submission:

Ambry Genetics
Classification: Uncertain significance. Last evaluated: 2024-02-28. Review status: criteria provided, single submitter. Criteria: Ambry Variant Classification Scheme 2023. Collection method: clinical testing. Allele origin: germline.
Comment: The p.V872M variant (also known as c.2614G>A), located in coding exon 13 of the NPAT gene, results from a G to A substitution at nucleotide position 2614. The valine at codon 872 is replaced by methionine, an amino acid with highly similar properties. This amino acid position is conserved. In addition, this alteration is predicted to be tolerated by in silico analysis. Based on the available evidence, the clinical significance of this alteration remains unclear.